The following is an entry in ClinVar:

NM_004006.3(DMD):c.8027+11C>T

Gene: DMD (dystrophin; minus strand). Cytogenetic location: Xp21.1.
Variant type: single nucleotide variant.
Coding change: c.8027+11C>T on transcript NM_004006.3 (MANE Select); 11 bases into the intron after coding-DNA position 8027, C replaced by T.
Molecular consequence: intron variant.
Genome position (GRCh38, 1-based): chrX:31,657,979, G>A on the plus strand (C>T on the coding strand, the complement: DMD is on the minus strand). VCF-style: chrX-31657979-G-A. GRCh37 (hg19) VCF-style: chrX-31676096-G-A.
Other names: c.8003+11C>T (NM_000109.4); c.4004+11C>T (NM_004011.4); c.3995+11C>T (NM_004012.4); c.647+11C>T (NM_004023.3, NM_004020.4, NM_004022.3 and 2 more transcripts); c.8015+11C>T (NM_004009.3); c.7658+11C>T (NM_004010.3).
Identifiers: ClinVar variation 94783 (VCV000094783.44), dbSNP rs2270672, ClinGen allele CA285607.

ClinVar aggregate classification (germline): Benign. Review status: criteria provided, multiple submitters, no conflicts (2 of 4 stars). 16 submissions from 15 submitters: Benign (13). 3 of the submissions do not count toward it. Last evaluated 2026-02-04.

Conditions:
Cardiomyopathy (CMYO). Also called: Cardiomyopathies. Identifiers: Orphanet 167848, MedGen C0878544, MONDO:0004994, HP:0001638. Inheritance: Various modes of inheritance.
Becker muscular dystrophy (BMD). Also called: MUSCULAR DYSTROPHY, PSEUDOHYPERTROPHIC PROGRESSIVE, BECKER TYPE; Becker Muscular Dystrophy (BMD). Identifiers: Orphanet 98895, MedGen C0917713, MONDO:0010311, OMIM 300376.
Duchenne muscular dystrophy (DMD). Also called: Duchenne Muscular Dystrophy (DMD); MUSCULAR DYSTROPHY, PSEUDOHYPERTROPHIC PROGRESSIVE, DUCHENNE TYPE. Identifiers: Orphanet 98896, MedGen C0013264, MONDO:0010679, OMIM 310200.
Dystrophin deficiency.
Dilated cardiomyopathy 3B (CMD3B). Also called: CMD3B: DMD-Related Dilated Cardiomyopathy; CARDIOMYOPATHY, DILATED, X-LINKED; DMD-Associated Dilated Cardiomyopathy. Identifiers: Orphanet 154, MedGen C3668940, MONDO:0010542, OMIM 302045.

Allele frequency attached by ClinVar (database versions not stated): TOPMed 0.31675; 1000 Genomes Project 30x 0.32279; 1000 Genomes Project 0.32848; gnomAD 0.33026 and 0.33270; gnomAD exomes 0.33222 and 0.35217; ESP Exome Variant Server 0.33889; ExAC 0.33978.
gnomAD v4.1: 420,052 of 1,201,414 alleles (35%); highest among the groups gnomAD compares: South Asian, 43%; 50,207 homozygotes.

Submissions (16):

Labcorp Genetics (formerly Invitae), Labcorp
Classification: Benign for Duchenne muscular dystrophy. Last evaluated: 2026-02-04. Review status: criteria provided, single submitter. Criteria: Invitae Variant Classification Sherloc (09022015). Collection method: clinical testing. Allele origin: germline.

ARUP Laboratories, Molecular Genetics and Genomics, ARUP Laboratories
Classification: Benign. Last evaluated: 2025-07-17. Review status: criteria provided, single submitter. Criteria: ARUP Molecular Germline Variant Investigation Process 2024. Collection method: clinical testing. Allele origin: germline.

Molecular Diagnostic Laboratory for Inherited Cardiovascular Disease, Montreal Heart Institute
Classification: Benign. Last evaluated: 2025-04-09. Review status: criteria provided, single submitter. Criteria: ACMG Guidelines, 2015. Collection method: clinical testing. Allele origin: germline. Affected: no.

Blueprint Genetics
Classification: Benign. Last evaluated: 2024-11-28. Review status: criteria provided, single submitter. Criteria: ACMG Guidelines, 2015. Collection method: clinical testing. Allele origin: germline.

Genome-Nilou Lab
Classification: Benign for Dilated cardiomyopathy 3B. Last evaluated: 2021-07-30. Review status: criteria provided, single submitter. Criteria: ACMG Guidelines, 2015. Collection method: clinical testing. Allele origin: germline. Affected: no.

Genome-Nilou Lab
Classification: Benign for Duchenne muscular dystrophy. Last evaluated: 2021-07-30. Review status: criteria provided, single submitter. Criteria: ACMG Guidelines, 2015. Collection method: clinical testing. Allele origin: germline. Affected: no.

Women's Health and Genetics/Laboratory Corporation of America, LabCorp
Classification: Benign. Last evaluated: 2018-07-12. Review status: criteria provided, single submitter. Criteria: LabCorp Variant Classification Summary - May 2015. Collection method: clinical testing. Allele origin: germline.
Comment: Variant summary: DMD c.8027+11C>T alters a non-conserved nucleotide located close to a canonical splice site and therefore could affect mRNA splicing, leading to a significantly altered protein sequence. 5/5 computational tools predict no significant impact on normal splicing. However, these predictions have yet to be confirmed by functional studies. The variant allele was found at a frequency of 0.34 in 198201 control chromosomes in the gnomAD database, including 7231 homozygotes and 25267 hemizygotes. The observed variant frequency is approximately 30-fold above the estimated maximal expected allele frequency for a pathogenic variant in DMD causing Dystrophiopathies phenotype (0.011), strongly suggesting that the variant is benign. To our knowledge, no occurrence of c.8027+11C>T in individuals affected with Dystrophiopathies and no experimental evidence demonstrating its impact on protein function have been reported. Three clinical diagnostic laboratories have submitted clinical-significance assessments for this variant to ClinVar after 2014 and all classified the variant as benign/likely benign. Based on the evidence outlined above, the variant was classified as benign.

Illumina Laboratory Services, Illumina
Classification: Benign for Dilated cardiomyopathy 3B. Last evaluated: 2018-01-12. Review status: criteria provided, single submitter. Criteria: ICSL Variant Classification Criteria 13 December 2019. Collection method: clinical testing. Allele origin: germline.
Comment: This variant was observed in the ICSL laboratory as part of a predisposition screen in an ostensibly healthy population. It had not been previously curated by ICSL or reported in the Human Gene Mutation Database (HGMD: prior to June 1st, 2018), and was therefore a candidate for classification through an automated scoring system. Utilizing variant allele frequency, disease prevalence and penetrance estimates, and inheritance mode, an automated score was calculated to assess if this variant is too frequent to cause the disease. Based on the score and internal cut-off values, a variant classified as benign is not then subjected to further curation. The score for this variant resulted in a classification of benign for this disease.

Eurofins Ntd Llc (ga)
Classification: Benign. Last evaluated: 2015-08-10. Review status: criteria provided, single submitter. Criteria: EGL Classification Definitions 2015. Collection method: clinical testing. Allele origin: germline. Observed: 323 variant alleles, 123 heterozygotes, 45 homozygotes, 155 hemizygotes.

Laboratory for Molecular Medicine, Mass General Brigham Personalized Medicine
Classification: Benign. Last evaluated: 2015-01-13. Review status: criteria provided, single submitter. Criteria: LMM Criteria. Collection method: clinical testing. Allele origin: germline. Observed: 234 variant alleles.
Comment: c.8027+11C>T in intron 54 of DMD: This variant is not expected to have clinical significance because it is not located within the conserved splice consensus seq uence. It has been identified in 35.1% (2361/6725) of European American chromoso mes from a broad population by the NHLBI Exome Sequencing Project (.; dbSNP rs2270672).

GeneDx
Classification: Benign. Last evaluated: 2013-11-01. Review status: criteria provided, single submitter. Criteria: GeneDx Variant Classification (06012015). Collection method: clinical testing. Allele origin: germline. Affected: yes.
Comment: This variant is considered likely benign or benign based on one or more of the following criteria: it is a conservative change, it occurs at a poorly conserved position in the protein, it is predicted to be benign by multiple in silico algorithms, and/or has population frequency not consistent with disease.

Breakthrough Genomics
Classification: Benign. Review status: criteria provided, single submitter. Criteria: ACMG Guidelines, 2015. Collection method: not provided. Allele origin: germline. Inheritance: X-linked inheritance. Affected: yes.

PreventionGenetics, part of Exact Sciences
Classification: Benign. Review status: criteria provided, single submitter. Criteria: ACMG Guidelines, 2015. Collection method: clinical testing. Allele origin: germline.

Natera, Inc.
Classification: Benign for Becker muscular dystrophy; Cardiomyopathy; Duchenne muscular dystrophy; Dystrophin deficiency. Last evaluated: 2019-05-20. Review status: no assertion criteria provided. Collection method: clinical testing. Allele origin: germline. Not counted in ClinVar's aggregate classification.

Clinical Genetics, Academic Medical Center
Classification: Benign. Review status: no assertion criteria provided. Collection method: clinical testing. Allele origin: germline. Affected: yes. Study: VKGL Data-share Consensus. Not counted in ClinVar's aggregate classification.

Diagnostic Laboratory, Department of Genetics, University Medical Center Groningen
Classification: Benign. Review status: no assertion criteria provided. Collection method: clinical testing. Allele origin: germline. Affected: yes. Study: VKGL Data-share Consensus. Not counted in ClinVar's aggregate classification.